The following is an entry in ClinVar:

NM_002872.5(RAC2):c.277G>A (p.Val93Ile)

Gene: RAC2 (Rac family small GTPase 2; minus strand). Cytogenetic location: 22q13.1.
Variant type: single nucleotide variant.
Coding change: c.277G>A on transcript NM_002872.5 (MANE Select); coding-DNA position 277, G replaced by A.
Protein change: p.Val93Ile; replaces valine 93 with isoleucine.
Molecular consequence: missense variant.
Genome position (GRCh38, 1-based): chr22:37,231,943, C>T on the plus strand (G>A on the coding strand, the complement: RAC2 is on the minus strand). VCF-style: chr22-37231943-C-T. GRCh37 (hg19) VCF-style: chr22-37627983-C-T.
Other names: short protein forms V93I.
Identifiers: ClinVar variation 3021823 (VCV003021823.5), dbSNP rs375471633, ClinGen allele CA324080039.

ClinVar aggregate classification (germline): Uncertain significance. Review status: criteria provided, multiple submitters, no conflicts (2 of 4 stars). 3 submissions from 3 submitters: Uncertain significance (3). Last evaluated 2026-05-20.

Conditions:
Neutrophil immunodeficiency syndrome. Also called: Immunodeficiency 73A with defective neutrophil chemotaxis and leukocytosis. Identifiers: Orphanet 183707, MedGen C1842398, MONDO:0011988, OMIM 608203.
Inborn genetic diseases. Identifiers: MedGen C0950123, MeSH D030342.

Allele frequency attached by ClinVar (database versions not stated): TOPMed below 0.00001; gnomAD 0.00001; gnomAD exomes 0.00001; ESP Exome Variant Server 0.00008.
gnomAD v4.1: 10 of 1,551,982 alleles (0.00064%); highest among the groups gnomAD compares: Admixed American, 0.002%; no homozygotes.

Submissions (3):

Ambry Genetics
Classification: Uncertain significance for Inborn genetic diseases. Last evaluated: 2026-05-20. Review status: criteria provided, single submitter. Criteria: Ambry Variant Classification Scheme 2023. Collection method: clinical testing. Allele origin: germline.

Labcorp Genetics (formerly Invitae), Labcorp
Classification: Uncertain significance for Neutrophil immunodeficiency syndrome. Last evaluated: 2024-04-10. Review status: criteria provided, single submitter. Criteria: Invitae Variant Classification Sherloc (09022015). Collection method: clinical testing. Allele origin: germline.
Comment: This sequence change replaces valine, which is neutral and non-polar, with isoleucine, which is neutral and non-polar, at codon 93 of the RAC2 protein (p.Val93Ile). The frequency data for this variant in the population databases is considered unreliable, as metrics indicate poor data quality at this position in the gnomAD database. This variant has not been reported in the literature in individuals affected with RAC2-related conditions. Advanced modeling of protein sequence and biophysical properties (such as structural, functional, and spatial information, amino acid conservation, physicochemical variation, residue mobility, and thermodynamic stability) performed at Invitae indicates that this missense variant is not expected to disrupt RAC2 protein function with a negative predictive value of 95%. In summary, the available evidence is currently insufficient to determine the role of this variant in disease. Therefore, it has been classified as a Variant of Uncertain Significance.

Blueprint Genetics
Classification: Uncertain significance. Last evaluated: 2023-09-05. Review status: criteria provided, single submitter. Criteria: ACMG Guidelines, 2015. Collection method: clinical testing. Allele origin: germline.